The following is an entry in ClinVar:

NM_015072.5(TTLL5):c.1339C>T (p.Arg447Trp)

Gene: TTLL5 (tubulin tyrosine ligase like 5; plus strand). Cytogenetic location: 14q24.3.
Variant type: single nucleotide variant.
Coding change: c.1339C>T on transcript NM_015072.5 (MANE Select); coding-DNA position 1339, C replaced by T.
Protein change: p.Arg447Trp; replaces arginine 447 with tryptophan.
Molecular consequence: missense variant.
Genome position (GRCh38, 1-based): chr14:75,745,152, C>T. VCF-style: chr14-75745152-C-T. GRCh37 (hg19) VCF-style: chr14-76211495-C-T.
Other names: short protein forms R447W.
Identifiers: ClinVar variation 835519 (VCV000835519.8), dbSNP rs139653147, ClinGen allele CA7279353.

ClinVar aggregate classification (germline): Uncertain significance. Review status: criteria provided, multiple submitters, no conflicts (2 of 4 stars). 3 submissions from 3 submitters: Uncertain significance (3). Last evaluated 2026-03-16.

Conditions:
TTLL5-related disorder. Also called: TTLL5-related condition.

Allele frequency attached by ClinVar (database versions not stated): TOPMed 0.00002.
gnomAD v4.1: 48 of 1,613,774 alleles (0.003%); highest among the groups gnomAD compares: African/African-American, 0.015%; no homozygotes.

Submissions (3):

PreventionGenetics, part of Exact Sciences
Classification: Uncertain significance for TTLL5-related condition. Last evaluated: 2026-03-16. Review status: criteria provided, single submitter. Criteria: ACMG Guidelines, 2015. Collection method: clinical testing. Allele origin: germline.
Comment: The TTLL5 c.1339C>T variant is predicted to result in the amino acid substitution p.Arg447Trp. To our knowledge, this variant has not been reported in the literature. This variant is present in 0.013% of alleles in individuals of South Asian descent in gnomAD. At this time, the clinical significance of this variant is uncertain due to the absence of conclusive functional and genetic evidence.

Blueprint Genetics
Classification: Uncertain significance. Last evaluated: 2024-04-16. Review status: criteria provided, single submitter. Criteria: ACMG Guidelines, 2015. Collection method: clinical testing. Allele origin: germline.

Labcorp Genetics (formerly Invitae), Labcorp
Classification: Uncertain significance. Last evaluated: 2023-02-20. Review status: criteria provided, single submitter. Criteria: Invitae Variant Classification Sherloc (09022015). Collection method: clinical testing. Allele origin: germline.
Comment: This sequence change replaces arginine, which is basic and polar, with tryptophan, which is neutral and slightly polar, at codon 447 of the TTLL5 protein (p.Arg447Trp). This variant is present in population databases (rs139653147, gnomAD 0.01%). This variant has not been reported in the literature in individuals affected with TTLL5-related conditions. ClinVar contains an entry for this variant (Variation ID: 835519). Advanced modeling of protein sequence and biophysical properties (such as structural, functional, and spatial information, amino acid conservation, physicochemical variation, residue mobility, and thermodynamic stability) performed at Invitae indicates that this missense variant is not expected to disrupt TTLL5 protein function. In summary, the available evidence is currently insufficient to determine the role of this variant in disease. Therefore, it has been classified as a Variant of Uncertain Significance.